The following is an entry in ClinVar:

ClinVar aggregate classification (germline): Uncertain significance (1 of 4 stars; one submission).

Conditions:
Idiopathic generalized epilepsy. Also called: Generalised epilepsy; EIG. Identifiers: MedGen C0270850, MONDO:0005579, OMIM 600669.

Allele frequency attached by ClinVar (database versions not stated): gnomAD exomes below 0.00001 and 0.00001; gnomAD 0.00001; TOPMed 0.00002.
gnomAD v4.1: 9 of 1,612,282 alleles (0.00056%); highest among the groups gnomAD compares: Non-Finnish European, 0.00059%; no homozygotes.

Submission:

Labcorp Genetics (formerly Invitae), Labcorp
Classification: Uncertain significance for Idiopathic generalized epilepsy. Last evaluated: 2020-10-09. Review status: criteria provided, single submitter. Criteria: Invitae Variant Classification Sherloc (09022015). Collection method: clinical testing. Allele origin: germline.
Comment: This variant is not present in population databases (ExAC no frequency). In summary, the available evidence is currently insufficient to determine the role of this variant in disease. Therefore, it has been classified as a Variant of Uncertain Significance. Algorithms developed to predict the effect of sequence changes on RNA splicing suggest that this variant may create or strengthen a splice site, but this prediction has not been confirmed by published transcriptional studies. Algorithms developed to predict the effect of missense changes on protein structure and function (SIFT, PolyPhen-2, Align-GVGD) all suggest that this variant is likely to be tolerated, but these predictions have not been confirmed by published functional studies and their clinical significance is uncertain. This variant has been observed in individual(s) with early infantile epileptic encephalopathy (PMID: 31780880). ClinVar contains an entry for this variant (Variation ID: 959064). This sequence change replaces lysine with arginine at codon 328 of the RBFOX1 protein (p.Lys328Arg). The lysine residue is weakly conserved and there is a small physicochemical difference between lysine and arginine.

Literature cited by the submitters: PubMed 31780880.

NM_145893.3(RBFOX1):c.983A>G (p.Lys328Arg)

Gene: RBFOX1 (RNA binding fox-1 homolog 1; plus strand). Cytogenetic location: 16p13.3.
Variant type: single nucleotide variant.
Coding change: c.983A>G on transcript NM_145893.3 (MANE Plus Clinical); coding-DNA position 983, A replaced by G.
Protein change: p.Lys328Arg; replaces lysine 328 with arginine.
Molecular consequence: missense variant. On other transcripts: intron variant (5).
Genome position (GRCh38, 1-based): chr16:7,671,589, A>G. VCF-style: chr16-7671589-A-G. GRCh37 (hg19) VCF-style: chr16-7721591-A-G.
Other names: c.983A>G, p.Lys328Arg (NM_145891.3, NM_145892.3); c.931-5185A>G (NM_001364800.2, NM_018723.4, NM_001142334.2); c.850-5185A>G (NM_001142333.2); c.1060-5185A>G (NM_001308117.1); short protein forms K328R.
Identifiers: ClinVar variation 959064 (VCV000959064.10), dbSNP rs1287710352, ClinGen allele CA394683934.